The following is an entry in ClinVar:

ClinVar aggregate classification (germline): Conflicting classifications of pathogenicity. Review status: criteria provided, conflicting classifications (1 of 4 stars). 5 submissions from 5 submitters: Uncertain significance (1); Likely benign (4). Last evaluated 2025-03-19.

Conditions:
Ehlers-Danlos syndrome, kyphoscoliotic type 1 (EDSKSCL1). Also called: EHLERS-DANLOS SYNDROME, OCULAR-SCOLIOTIC TYPE; EHLERS-DANLOS SYNDROME, TYPE VIA; PLOD1-Related Kyphoscoliotic Ehlers-Danlos Syndrome; Ehlers-Danlos syndrome, hydroxylysine-deficient. Identifiers: Orphanet 1900, MedGen C0268342, MONDO:0016002, OMIM 225400. Disease mechanism: loss of function.

Allele frequency attached by ClinVar (database versions not stated): 1000 Genomes Project 30x 0.00016; 1000 Genomes Project 0.00020; gnomAD 0.00022 and 0.00023; ExAC 0.00024; TOPMed 0.00025; gnomAD exomes 0.00028.
gnomAD v4.1: 380 of 1,580,358 alleles (0.024%); highest among the groups gnomAD compares: Admixed American, 0.063%; no homozygotes.

Submissions (5):

Mayo Clinic Laboratories, Mayo Clinic
Classification: Likely benign. Last evaluated: 2025-03-19. Review status: criteria provided, single submitter. Criteria: ACMG Guidelines, 2015. Collection method: clinical testing. Allele origin: germline. Observed: 1 variant allele.
Comment: BP4, BP7

Blueprint Genetics
Classification: Likely benign. Last evaluated: 2024-05-29. Review status: criteria provided, single submitter. Criteria: ACMG Guidelines, 2015. Collection method: clinical testing. Allele origin: germline.

CeGaT Center for Human Genetics Tuebingen
Classification: Uncertain significance. Last evaluated: 2023-02-01. Review status: criteria provided, single submitter. Criteria: CeGaT Center For Human Genetics Tuebingen Variant Classification Criteria Version 2. Collection method: clinical testing. Allele origin: germline. Affected: yes. Observed: 2 variant alleles.
Comment: PLOD1: PM2, BP4

ARUP Laboratories, Molecular Genetics and Genomics, ARUP Laboratories
Classification: Likely benign for Ehlers-Danlos syndrome, kyphoscoliotic type 1. Last evaluated: 2023-01-03. Review status: criteria provided, single submitter. Criteria: ARUP Molecular Germline Variant Investigation Process 2024. Collection method: clinical testing. Allele origin: germline.

Labcorp Genetics (formerly Invitae), Labcorp
Classification: Likely benign for Ehlers-Danlos syndrome, hydroxylysine-deficient. Last evaluated: 2019-12-31. Review status: criteria provided, single submitter. Criteria: Invitae Variant Classification Sherloc (09022015). Collection method: clinical testing. Allele origin: germline.

NM_000302.4(PLOD1):c.1471-8C>T

Gene: PLOD1 (procollagen-lysine,2-oxoglutarate 5-dioxygenase 1; plus strand). Cytogenetic location: 1p36.22.
Variant type: single nucleotide variant.
Coding change: c.1471-8C>T on transcript NM_000302.4 (MANE Select); 8 bases into the intron before coding-DNA position 1471, C replaced by T.
Molecular consequence: intron variant.
Genome position (GRCh38, 1-based): chr1:11,965,472, C>T. VCF-style: chr1-11965472-C-T. GRCh37 (hg19) VCF-style: chr1-12025529-C-T.
Other names: p.?; c.1612-8C>T (NM_001316320.2).
Identifiers: ClinVar variation 777072 (VCV000777072.41), dbSNP rs201661871, ClinGen allele CA598422.